The following is an entry in ClinVar:

NM_006946.4(SPTBN2):c.119C>T (p.Ala40Val)

Gene: SPTBN2 (spectrin beta, non-erythrocytic 2; minus strand). Cytogenetic location: 11q13.2.
Variant type: single nucleotide variant.
Coding change: c.119C>T on transcript NM_006946.4 (MANE Select); coding-DNA position 119, C replaced by T.
Protein change: p.Ala40Val; replaces alanine 40 with valine.
Molecular consequence: missense variant.
Genome position (GRCh38, 1-based): chr11:66,721,122, G>A on the plus strand (C>T on the coding strand, the complement: SPTBN2 is on the minus strand). VCF-style: chr11-66721122-G-A. GRCh37 (hg19) VCF-style: chr11-66488593-G-A.
Other names: c.119C>T, p.Ala40Val (NM_001437541.1); short protein forms A40V.
Identifiers: ClinVar variation 4687316 (VCV004687316.1).

ClinVar aggregate classification (germline): Uncertain significance (1 of 4 stars; one submission).

Submission:

Women's Health and Genetics/Laboratory Corporation of America, LabCorp
Classification: Uncertain significance. Last evaluated: 2025-10-14. Review status: criteria provided, single submitter. Criteria: LabCorp Variant Classification Summary - May 2015. Collection method: clinical testing. Allele origin: germline.
Comment: Variant summary: SPTBN2 c.119C>T (p.Ala40Val) results in a non-conservative amino acid change in the encoded protein sequence. Algorithms developed to predict the effect of missense changes on protein structure and function are either unavailable or do not agree on the potential impact of this missense change. The variant was absent in 251384 control chromosomes. The available data on variant occurrences in the general population are insufficient to allow any conclusion about variant significance. To our knowledge, no occurrence of c.119C>T in individuals affected with SPTBN2-related conditions and no experimental evidence demonstrating its impact on protein function have been reported. No submitters have cited clinical-significance assessments for this variant to ClinVar. Based on the evidence outlined above, the variant was classified as uncertain significance.